The following is an entry in ClinVar:

ClinVar aggregate classification (germline): Uncertain significance (1 of 4 stars; one submission).

Conditions:
Myasthenic syndrome, congenital, 22 (CMS22). Also called: PREPL DEFICIENCY. Identifiers: MedGen C4479088, MONDO:0044299, OMIM 616224.

gnomAD v4.1: 4 of 1,612,272 alleles (0.00025%); highest among the groups gnomAD compares: African/African-American, 0.0027%; no homozygotes.

Submission:

Labcorp Genetics (formerly Invitae), Labcorp
Classification: Uncertain significance for Myasthenic syndrome, congenital, 22. Last evaluated: 2022-06-04. Review status: criteria provided, single submitter. Criteria: Invitae Variant Classification Sherloc (09022015). Collection method: clinical testing. Allele origin: germline.
Comment: In summary, the available evidence is currently insufficient to determine the role of this variant in disease. Therefore, it has been classified as a Variant of Uncertain Significance. Algorithms developed to predict the effect of missense changes on protein structure and function are either unavailable or do not agree on the potential impact of this missense change (SIFT: "Deleterious"; PolyPhen-2: "Possibly Damaging"; Align-GVGD: "Class C0"). ClinVar contains an entry for this variant (Variation ID: 933423). This variant has not been reported in the literature in individuals affected with PREPL-related conditions. This variant is not present in population databases (gnomAD no frequency). This sequence change replaces asparagine, which is neutral and polar, with lysine, which is basic and polar, at codon 224 of the PREPL protein (p.Asn224Lys).

NM_001171613.2(PREPL):c.405C>A (p.Asn135Lys)

Gene: PREPL (prolyl endopeptidase like; minus strand). Cytogenetic location: 2p21.
Variant type: single nucleotide variant.
Coding change: c.405C>A on transcript NM_001171613.2 (MANE Select); coding-DNA position 405, C replaced by A.
Protein change: p.Asn135Lys; replaces asparagine 135 with lysine.
Molecular consequence: missense variant.
Genome position (GRCh38, 1-based): chr2:44,342,497, G>T on the plus strand (C>A on the coding strand, the complement: PREPL is on the minus strand). VCF-style: chr2-44342497-G-T. GRCh37 (hg19) VCF-style: chr2-44569636-G-T.
Other names: c.672C>A, p.Asn224Lys (NM_006036.4, NM_001042385.2, NM_001042386.2 and 4 more transcripts); c.405C>A, p.Asn135Lys (NM_001171617.1, NM_001374277.1); short protein forms N224K, N135K.
Identifiers: ClinVar variation 933423 (VCV000933423.9), dbSNP rs1675332417, ClinGen allele CA346692880.